The following is an entry in ClinVar:

NM_016247.4(IMPG2):c.928G>A (p.Ala310Thr)

Gene: IMPG2 (interphotoreceptor matrix proteoglycan 2; minus strand). Cytogenetic location: 3q12.3.
Variant type: single nucleotide variant.
Coding change: c.928G>A on transcript NM_016247.4 (MANE Select); coding-DNA position 928, G replaced by A.
Protein change: p.Ala310Thr; replaces alanine 310 with threonine.
Molecular consequence: missense variant.
Genome position (GRCh38, 1-based): chr3:101,257,754, C>T on the plus strand (G>A on the coding strand, the complement: IMPG2 is on the minus strand). VCF-style: chr3-101257754-C-T. GRCh37 (hg19) VCF-style: chr3-100976598-C-T.
Other names: short protein forms A310T.
Identifiers: ClinVar variation 1035807 (VCV001035807.8), dbSNP rs1706627291, ClinGen allele CA353866386.

ClinVar aggregate classification (germline): Uncertain significance (1 of 4 stars; one submission).

Allele frequency attached by ClinVar (database versions not stated): gnomAD exomes below 0.00001; TOPMed below 0.00001.

Submission:

Labcorp Genetics (formerly Invitae), Labcorp
Classification: Uncertain significance. Last evaluated: 2020-10-05. Review status: criteria provided, single submitter. Criteria: Invitae Variant Classification Sherloc (09022015). Collection method: clinical testing. Allele origin: germline.
Comment: This sequence change replaces alanine with threonine at codon 310 of the IMPG2 protein (p.Ala310Thr). The alanine residue is highly conserved and there is a small physicochemical difference between alanine and threonine. This variant is not present in population databases (ExAC no frequency). This variant has not been reported in the literature in individuals with IMPG2-related conditions. Algorithms developed to predict the effect of missense changes on protein structure and function are either unavailable or do not agree on the potential impact of this missense change (SIFT: "Deleterious"; PolyPhen-2: "Possibly Damaging"; Align-GVGD: "Class C0"). In summary, the available evidence is currently insufficient to determine the role of this variant in disease. Therefore, it has been classified as a Variant of Uncertain Significance.